The following is an entry in ClinVar:

ClinVar aggregate classification (germline): Conflicting classifications of pathogenicity. Review status: criteria provided, conflicting classifications (1 of 4 stars). 3 submissions from 3 submitters: Uncertain significance (2); Likely benign (1). Last evaluated 2024-12-02.

Conditions:
Cerebrooculofacioskeletal syndrome 3 (COFS3). Identifiers: MedGen C1851443, MONDO:0014696, OMIM 616570.

Allele frequency attached by ClinVar (database versions not stated): gnomAD exomes 0.00005 and 0.00008; ExAC 0.00007; TOPMed 0.00007; ESP Exome Variant Server 0.00015.
gnomAD v4.1: 130 of 1,614,060 alleles (0.0081%); highest among the groups gnomAD compares: Middle Eastern, 0.016%; no homozygotes.

Submissions (3):

Labcorp Genetics (formerly Invitae), Labcorp
Classification: Uncertain significance. Last evaluated: 2024-12-02. Review status: criteria provided, single submitter. Criteria: Invitae Variant Classification Sherloc (09022015). Collection method: clinical testing. Allele origin: germline.
Comment: This sequence change falls in intron 5 of the ERCC5 gene. It does not directly change the encoded amino acid sequence of the ERCC5 protein. It affects a nucleotide within the consensus splice site. This variant is present in population databases (rs372122917, gnomAD 0.009%). This variant has not been reported in the literature in individuals affected with ERCC5-related conditions. ClinVar contains an entry for this variant (Variation ID: 998179). Variants that disrupt the consensus splice site are a relatively common cause of aberrant splicing (PMID: 17576681, 9536098). Algorithms developed to predict the effect of sequence changes on RNA splicing suggest that this variant is not likely to affect RNA splicing. In summary, the available evidence is currently insufficient to determine the role of this variant in disease. Therefore, it has been classified as a Variant of Uncertain Significance.

Blueprint Genetics
Classification: Likely benign. Last evaluated: 2024-10-14. Review status: criteria provided, single submitter. Criteria: ACMG Guidelines, 2015. Collection method: clinical testing. Allele origin: germline.

Baylor Genetics
Classification: Uncertain significance for Cerebrooculofacioskeletal syndrome 3. Last evaluated: 2020-12-22. Review status: criteria provided, single submitter. Criteria: ACMG Guidelines, 2015. Collection method: clinical testing. Allele origin: unknown. Affected: yes. Study: CSER-TexasKidsCanSeq.
Comment: This variant was determined to be of uncertain significance according to ACMG Guidelines, 2015 [PMID:25741868].

Literature cited by the submitters: PubMed 17576681 (cited by Labcorp Genetics (formerly Invitae), Labcorp); PubMed 9536098 (cited by Labcorp Genetics (formerly Invitae), Labcorp).

NM_000123.4(ERCC5):c.529-3C>T

Genes: BIVM-ERCC5 (BIVM-ERCC5 readthrough; plus strand), ERCC5 (ERCC excision repair 5, endonuclease; plus strand). Cytogenetic location: 13q33.1.
Variant type: single nucleotide variant.
Coding change: c.529-3C>T on transcript NM_000123.4 (MANE Select); 3 bases into the intron before coding-DNA position 529, C replaced by T.
Molecular consequence: intron variant.
Genome position (GRCh38, 1-based): chr13:102,858,272, C>T. VCF-style: chr13-102858272-C-T. GRCh37 (hg19) VCF-style: chr13-103510622-C-T.
Other names: c.1891-3C>T (NM_001204425.2).
Identifiers: ClinVar variation 998179 (VCV000998179.5), dbSNP rs372122917, ClinGen allele CA7041210.